The following is an entry in ClinVar:

NM_000040.3(APOC3):c.86T>C (p.Leu29Pro)

Gene: APOC3 (apolipoprotein C3; plus strand). Cytogenetic location: 11q23.3.
Variant type: single nucleotide variant.
Coding change: c.86T>C on transcript NM_000040.3 (MANE Select); coding-DNA position 86, T replaced by C.
Protein change: p.Leu29Pro; replaces leucine 29 with proline.
Molecular consequence: missense variant.
Genome position (GRCh38, 1-based): chr11:116,830,803, T>C. VCF-style: chr11-116830803-T-C. GRCh37 (hg19) VCF-style: chr11-116701519-T-C.
Other names: short protein forms L29P.
Identifiers: ClinVar variation 4729215 (VCV004729215.1).
Genomic context (GRCh38, chr11:116,830,803, plus strand): 5'-CCACCCCACTCAGCCCTGCTCTTTCCTCAGGAGCTTCAGAGGCCGAGGATGCCTCCCTTC[T>C]CAGCTTCATGCAGGGTTACATGAAGCACGCCACCAAGACCGCCAAGGATGCACTGAGCAG-3'
Protein context (NP_000031.1, residues 19-39): RASEAEDASL[Leu29Pro]SFMQGYMKHA

ClinVar aggregate classification (germline): Uncertain significance (1 of 4 stars; one submission).

Submission:

Labcorp Genetics (formerly Invitae), Labcorp
Classification: Uncertain significance. Last evaluated: 2025-10-14. Review status: criteria provided, single submitter. Criteria: Invitae Variant Classification Sherloc (09022015). Collection method: clinical testing. Allele origin: germline.
Comment: This sequence change replaces leucine, which is neutral and non-polar, with proline, which is neutral and non-polar, at codon 29 of the APOC3 protein (p.Leu29Pro). This variant is not present in population databases (gnomAD no frequency). This variant has not been reported in the literature in individuals affected with APOC3-related conditions. Experimental studies and prediction algorithms are not available or were not evaluated, and the functional significance of this variant is currently unknown. In summary, the available evidence is currently insufficient to determine the role of this variant in disease. Therefore, it has been classified as a Variant of Uncertain Significance.